The following is an entry in ClinVar:

ClinVar aggregate classification (germline): Uncertain significance (1 of 4 stars; one submission).

Conditions:
Dilated cardiomyopathy 1J (CMD1J). Also called: CARDIOMYOPATHY, DILATED, WITH SENSORINEURAL HEARING LOSS, AUTOSOMAL DOMINANT. Identifiers: Orphanet 217622, MedGen C1854368, MONDO:0011541, OMIM 605362.

Submission:

Labcorp Genetics (formerly Invitae), Labcorp
Classification: Uncertain significance for Dilated cardiomyopathy 1J. Last evaluated: 2025-04-28. Review status: criteria provided, single submitter. Criteria: Invitae Variant Classification Sherloc (09022015). Collection method: clinical testing. Allele origin: germline.
Comment: This sequence change replaces isoleucine, which is neutral and non-polar, with valine, which is neutral and non-polar, at codon 601 of the EYA4 protein (p.Ile601Val). This variant is not present in population databases (gnomAD no frequency). This variant has not been reported in the literature in individuals affected with EYA4-related conditions. ClinVar contains an entry for this variant (Variation ID: 2171217). Invitae Evidence Modeling of protein sequence and biophysical properties (such as structural, functional, and spatial information, amino acid conservation, physicochemical variation, residue mobility, and thermodynamic stability) indicates that this missense variant is not expected to disrupt EYA4 protein function with a negative predictive value of 80%. In summary, the available evidence is currently insufficient to determine the role of this variant in disease. Therefore, it has been classified as a Variant of Uncertain Significance.

NM_004100.5(EYA4):c.1801A>G (p.Ile601Val)

Genes: TARID (TCF21 antisense RNA inducing promoter demethylation; minus strand), EYA4 (EYA transcriptional coactivator and phosphatase 4; plus strand). Cytogenetic location: 6q23.2.
Variant type: single nucleotide variant.
Coding change: c.1801A>G on transcript NM_004100.5 (MANE Select); coding-DNA position 1801, A replaced by G.
Protein change: p.Ile601Val; replaces isoleucine 601 with valine.
Molecular consequence: missense variant. On other transcripts: intron variant (3).
Genome position (GRCh38, 1-based): chr6:133,525,216, A>G. VCF-style: chr6-133525216-A-G. GRCh37 (hg19) VCF-style: chr6-133846354-A-G.
Other names: c.1819A>G, p.Ile607Val (NM_001301013.2); c.1657A>G, p.Ile553Val (NM_001370459.1); c.1732A>G, p.Ile578Val (NM_172103.4); c.1839+101A>G (NM_172105.4); c.1770+101A>G (NM_001370458.1); c.1677+101A>G (NM_001301012.2); short protein forms I553V, I607V, I578V, I601V.
Identifiers: ClinVar variation 2171217 (VCV002171217.4), dbSNP rs1800534840, ClinGen allele CA365700801.